The following is an entry in ClinVar:

ClinVar aggregate classification (germline): Uncertain significance (1 of 4 stars; one submission).

Allele frequency attached by ClinVar (database versions not stated): gnomAD exomes below 0.00001; ExAC 0.00001.
gnomAD v4.1: 1 of 1,613,674 alleles (0.000062%); no homozygotes.

Submission:

Labcorp Genetics (formerly Invitae), Labcorp
Classification: Uncertain significance. Last evaluated: 2021-11-18. Review status: criteria provided, single submitter. Criteria: Invitae Variant Classification Sherloc (09022015). Collection method: clinical testing. Allele origin: germline.
Comment: In summary, the available evidence is currently insufficient to determine the role of this variant in disease. Therefore, it has been classified as a Variant of Uncertain Significance. Algorithms developed to predict the effect of missense changes on protein structure and function are either unavailable or do not agree on the potential impact of this missense change (SIFT: "Deleterious"; PolyPhen-2: "Benign"; Align-GVGD: "Class C0"). This variant has not been reported in the literature in individuals affected with ADGRV1-related conditions. This variant is present in population databases (rs755682458, gnomAD 0.0009%). This sequence change replaces aspartic acid, which is acidic and polar, with valine, which is neutral and non-polar, at codon 4449 of the ADGRV1 protein (p.Asp4449Val).

NM_032119.4(ADGRV1):c.13346A>T (p.Asp4449Val)

Gene: ADGRV1 (adhesion G protein-coupled receptor V1; plus strand). Cytogenetic location: 5q14.3.
Variant type: single nucleotide variant.
Coding change: c.13346A>T on transcript NM_032119.4 (MANE Select); coding-DNA position 13346, A replaced by T.
Protein change: p.Asp4449Val; replaces aspartic acid 4449 with valine.
Molecular consequence: missense variant. On other transcripts: non-coding transcript variant (1).
Genome position (GRCh38, 1-based): chr5:90,783,238, A>T. VCF-style: chr5-90783238-A-T. GRCh37 (hg19) VCF-style: chr5-90079055-A-T.
Other names: short protein forms D4449V.
Identifiers: ClinVar variation 1352165 (VCV001352165.6), dbSNP rs755682458, ClinGen allele CA3341504.